The following is an entry in ClinVar:

ClinVar aggregate classification (germline): Pathogenic/Likely pathogenic. Review status: criteria provided, multiple submitters, no conflicts (2 of 4 stars). 14 submissions from 14 submitters: Pathogenic (12); Likely pathogenic (1). 1 of the submissions does not count toward it. Last evaluated 2026-02-05.

Conditions:
Meckel syndrome, type 3 (MKS3). Also called: MECKEL-GRUBER SYNDROME, TYPE 3. Identifiers: Orphanet 564, MedGen C1846357, MONDO:0011821, OMIM 607361.
RHYNS syndrome. Also called: RETINITIS PIGMENTOSA SYNDROME; RETINITIS PIGMENTOSA, HYPOPITUITARISM, NEPHRONOPHTHISIS, AND MILD SKELETAL DYSPLASIA. Identifiers: Orphanet 140976, MedGen C1865794, MONDO:0011202, OMIM 602152.
Nephronophthisis 11 (NPHP11). Identifiers: Orphanet 84081, MedGen C3150796, MONDO:0013302, OMIM 613550.
Joubert syndrome 6 (JBTS6). Identifiers: Orphanet 475, MedGen C1853153, MONDO:0012539, OMIM 610688.
Bardet-Biedl syndrome 14 (BBS14). Identifiers: Orphanet 110, MedGen C2673874, MONDO:0014442, OMIM 615991.
COACH syndrome 1. Identifiers: Orphanet 1454, MedGen C5435651, MONDO:0800103, OMIM 216360, MONDO:0008996.
TMEM67-related disorder. Also called: TMEM67-related condition; TMEM67-related disorders. Identifiers: MedGen CN239423.
Joubert syndrome. Also called: JOUBERT-BOLTSHAUSER SYNDROME; Familial aplasia of the vermis. Identifiers: Orphanet 475, MedGen C5979921, MONDO:0018772.
Meckel-Gruber syndrome. Also called: DYSENCEPHALIA SPLANCHNOCYSTICA; GRUBER SYNDROME; Dysencephalia splachnocystica. Identifiers: Orphanet 564, MedGen C0265215, MONDO:0018921.
Inborn genetic diseases. Identifiers: MedGen C0950123, MeSH D030342.
Abnormality of the nervous system. Also called: Congenital nervous system disorder. Identifiers: MedGen C0497552, MONDO:0002320, HP:0000707.

Allele frequency attached by ClinVar (database versions not stated): gnomAD 0.00001; gnomAD exomes 0.00001; TOPMed 0.00001; ExAC 0.00002.
gnomAD v4.1: 15 of 1,614,094 alleles (0.00093%); highest among the groups gnomAD compares: South Asian, 0.0044%; no homozygotes.

Submissions (14):

Clinical Genetics and Genomics, Karolinska University Hospital
Classification: Pathogenic for Joubert syndrome 6. Last evaluated: 2026-02-05. Review status: criteria provided, single submitter. Criteria: ACMG Guidelines, 2015. Collection method: clinical testing. Allele origin: germline. Inheritance: Autosomal recessive inheritance. Affected: yes.

3billion
Classification: Pathogenic for Joubert syndrome 6. Last evaluated: 2025-12-29. Review status: criteria provided, single submitter. Criteria: ACMG Guidelines, 2015. Collection method: clinical testing. Allele origin: germline. Affected: yes.
Comment: The variant is observed at an extremely low frequency in the gnomAD v4.1.0 dataset (total allele frequency: <0.001%). Predicted Consequence/Location: Missense variant In silico tool predictions suggest damaging effect of the variant on gene or gene product [REVEL: 0.84 (>=0.6, sensitivity 0.68 and specificity 0.92); 3Cnet: 0.97 (> 0.75, sensitivity 0.96 and precision 0.92)]. The same nucleotide change resulting in the same amino acid change has been previously reported as pathogenic/likely pathogenic with strong evidence (ClinVar ID: VCV000216826 /PMID: 19574260, 25920555 /3billion dataset). The variant has been reported to co-segregate with the disease in at least one similarly affected relative/individual in the same family or similarly affected unrelated families (PMID: 28719906). Different missense changes at the same codon (p.Asn242Lys, p.Asn242Thr) have been reported to be associated with TMEM67-related disorder (PMID: 19574260, 23559409). Therefore, this variant is classified as Pathogenic according to the recommendation of ACMG/AMP guideline.

Blueprint Genetics
Classification: Pathogenic for TMEM67-related disorders. Last evaluated: 2024-11-05. Review status: criteria provided, single submitter. Criteria: ACMG Guidelines, 2015. Collection method: clinical testing. Allele origin: germline. Affected: yes. Observed: 2 variant alleles.

Dubai Health Genomic Medicine Center, Dubai Health
Classification: Pathogenic for Nephronophthisis 11. Last evaluated: 2024-10-04. Review status: criteria provided, single submitter. Criteria: ACMG Guidelines, 2015. Collection method: research. Allele origin: germline. Affected: yes.
Comment: PM2, PP3, PM5, PM1_Supporting, PP1_Strong

Fulgent Genetics
Classification: Pathogenic for COACH syndrome 1; RHYNS syndrome; Meckel syndrome, type 3; Joubert syndrome 6; Nephronophthisis 11; Bardet-Biedl syndrome 14. Last evaluated: 2024-05-28. Review status: criteria provided, single submitter. Criteria: ACMG Guidelines, 2015. Collection method: clinical testing. Allele origin: germline.

Labcorp Genetics (formerly Invitae), Labcorp
Classification: Pathogenic for Joubert syndrome; Meckel-Gruber syndrome. Last evaluated: 2023-07-19. Review status: criteria provided, single submitter. Criteria: Invitae Variant Classification Sherloc (09022015). Collection method: clinical testing. Allele origin: germline.
Comment: This sequence change replaces asparagine, which is neutral and polar, with serine, which is neutral and polar, at codon 242 of the TMEM67 protein (p.Asn242Ser). This variant is present in population databases (rs775883520, gnomAD 0.003%). This missense change has been observed in individual(s) with Joubert syndrome (PMID: 26092869, 27491411, 28719906). It has also been observed to segregate with disease in related individuals. ClinVar contains an entry for this variant (Variation ID: 216826). Advanced modeling of protein sequence and biophysical properties (such as structural, functional, and spatial information, amino acid conservation, physicochemical variation, residue mobility, and thermodynamic stability) performed at Invitae indicates that this missense variant is expected to disrupt TMEM67 protein function. For these reasons, this variant has been classified as Pathogenic.

GeneDx
Classification: Pathogenic. Last evaluated: 2023-01-10. Review status: criteria provided, single submitter. Criteria: GeneDx Variant Classification Process June 2021. Collection method: clinical testing. Allele origin: germline. Affected: yes.
Comment: In silico analysis supports that this missense variant has a deleterious effect on protein structure/function; Not observed at significant frequency in large population cohorts (gnomAD); This variant is associated with the following publications: (PMID: 26260382, 29302074, 25920555, 26092869, 30315573, 32000717, 33726816, 35032046, 28719906, 27491411)

Kariminejad - Najmabadi Pathology & Genetics Center
Classification: Pathogenic for Abnormality of the nervous system. Last evaluated: 2021-07-10. Review status: criteria provided, single submitter. Criteria: ACMG Guidelines, 2015. Collection method: clinical testing. Allele origin: germline. Affected: yes.

Genomic Research Center, Shahid Beheshti University of Medical Sciences
Classification: Pathogenic. Last evaluated: 2020-05-03. Review status: criteria provided, single submitter. Criteria: ACMG Guidelines, 2015. Collection method: clinical testing. Allele origin: unknown. Affected: yes.

Broad Center for Mendelian Genomics, Broad Institute of MIT and Harvard
Classification: Pathogenic for Joubert syndrome 6. Last evaluated: 2018-12-03. Review status: criteria provided, single submitter. Criteria: ACMG Guidelines, 2015. Collection method: research. Allele origin: germline. Inheritance: Autosomal recessive inheritance. Affected: yes.
Comment: The p.Asn242Ser variant in TMEM67 was reported in 23 individuals (including 22 Iranians) with Joubert syndrome, segregated with disease in 22 affected relatives from 9 families (PMID: 28719906, 19574260), and has been identified in 0.002978% (1/33580) of Latino chromosomes by the Genome Aggregation Database (gnomAD; dbSNP rs775883520). Although this variant has been seen in the general population, its frequency is low enough to be consistent with a recessive carrier frequency and its prevalence in Iranian families with a shared haplotype suggests this is a founder variant (PMID: 28719906). Computational prediction tools and conservation analyses suggest that this variant may impact the protein, though this information is not predictive enough to determine pathogenicity. This variant was also reported likely pathogenic in ClinVar prior to the publication of a paper about 22 Iranians from 9 families with this variant and Joubert syndrome (Variation ID: 216826). Two additional variants at the the same position, p.Asn242Thr and p.Asn242Lys, have been reported in association with disease in the literature, supporting that a change at this position may not be tolerated (PMID: 23559409, 19574260). Position 242 in the TMEM67 protein has also been reported as a glycosylation site for GlcNAc, providing additional support that a change in this position may not be tolerated (Entry: Q5HYA8) In summary, this variant meets criteria to be classified as pathogenic for Joubert syndrome in an autosomal recessive manner based on the predicted impact of a change at position 242 in TMEM67 and cosegregation with Joubertssyndrome in multiple Iranian families. ACMG/AMP Criteria applied: PM2, PP3, PM5, PM1_Supporting, PP1_Strong (Richards 2015).

CeGaT Center for Human Genetics Tuebingen
Classification: Pathogenic. Last evaluated: 2017-10-01. Review status: criteria provided, single submitter. Criteria: CeGaT Center For Human Genetics Tuebingen Variant Classification Criteria Version 2. Collection method: clinical testing. Allele origin: germline. Affected: yes. Observed: 1 variant allele.

Ambry Genetics
Classification: Likely pathogenic for Inborn genetic diseases. Last evaluated: 2016-11-28. Review status: criteria provided, single submitter. Criteria: Ambry exome assertion method (8-5-2015). Collection method: clinical testing. Allele origin: germline. Affected: yes. Observed: 1 variant allele.

UW Hindbrain Malformation Research Program, University of Washington
Classification: Pathogenic for Joubert syndrome 6. Last evaluated: 2015-02-23. Review status: criteria provided, single submitter. Criteria: Bachmann-Gagescu et al. (J Med Genet. 2015). Collection method: research. Allele origin: unknown. Affected: yes.

Hainan Provincial Key Laboratory for Human Reproductive Medicine and Genetic Research
Classification: Pathogenic for Joubert syndrome 6. Review status: no assertion criteria provided. Collection method: clinical testing. Allele origin: biparental. Inheritance: Autosomal recessive inheritance. Affected: yes. Not counted in ClinVar's aggregate classification.
Comment: 475 T >C; c.

Literature cited by the submitters: PubMed 28719906 (cited by 3 submitters); PubMed 19574260 (cited by 3billion and Broad Center for Mendelian Genomics, Broad Institute of MIT and Harvard); PubMed 26092869 (cited by Labcorp Genetics (formerly Invitae), Labcorp); PubMed 27491411 (cited by Labcorp Genetics (formerly Invitae), Labcorp); PubMed 23559409 (cited by Broad Center for Mendelian Genomics, Broad Institute of MIT and Harvard).

NM_153704.6(TMEM67):c.725A>G (p.Asn242Ser)

Gene: TMEM67 (transmembrane protein 67; plus strand). Cytogenetic location: 8q22.1.
Variant type: single nucleotide variant.
Coding change: c.725A>G on transcript NM_153704.6 (MANE Select); coding-DNA position 725, A replaced by G.
Protein change: p.Asn242Ser; replaces asparagine 242 with serine.
Molecular consequence: missense variant. On other transcripts: non-coding transcript variant (1).
Genome position (GRCh38, 1-based): chr8:93,780,603, A>G. VCF-style: chr8-93780603-A-G. GRCh37 (hg19) VCF-style: chr8-94792831-A-G.
Other names: c.482A>G, p.Asn161Ser (NM_001142301.1); short protein forms N161S, N242S.
Identifiers: ClinVar variation 216826 (VCV000216826.83), dbSNP rs775883520, ClinGen allele CA277789.